The following is an entry in ClinVar:

NM_001395333.1(MTCL1):c.4470C>T (p.Asp1490=)

Gene: MTCL1 (microtubule crosslinking factor 1; plus strand). Cytogenetic location: 18p11.22.
Variant type: single nucleotide variant.
Coding change: c.4470C>T on transcript NM_001395333.1 (MANE Select); coding-DNA position 4470, C replaced by T.
Protein change: p.Asp1490=; no amino-acid change (aspartic acid 1490 retained).
Molecular consequence: synonymous variant.
Genome position (GRCh38, 1-based): chr18:8,824,900, C>T. VCF-style: chr18-8824900-C-T. GRCh37 (hg19) VCF-style: chr18-8824898-C-T.
Other names: c.4347C>T, p.Asp1449= (NM_001378205.1, NM_001378207.1); c.4470C>T, p.Asp1490= (NM_001378206.1); c.3267C>T, p.Asp1089= (NM_001395220.1); c.3390C>T, p.Asp1130= (NM_015210.4).
Identifiers: ClinVar variation 2648561 (VCV002648561.24), dbSNP rs140677462, ClinGen allele CA8886595.
Genomic context (GRCh38, chr18:8,824,900, plus strand): 5'-GGAGTTCAACAAGAGCTGGGACTACACACCCAACAGGGGCCACAATGGTGGGGGGCCGGA[C>T]CTTTGGGCCGACAGGACCGAGGTGGGGCGGGCAGGGCACGAGGACAGCACAGAGCCTTTC-3'
Protein context (NP_001382262.1, residues 1480-1500): PNRGHNGGGP[Asp1490=]LWADRTEVGR

ClinVar aggregate classification (germline): Likely benign (1 of 4 stars; one submission).

Allele frequency attached by ClinVar (database versions not stated): gnomAD 0.00022; TOPMed 0.00023; ExAC 0.00027; ESP Exome Variant Server 0.00031; gnomAD exomes 0.00033.
gnomAD v4.1: 511 of 1,613,744 alleles (0.032%); highest among the groups gnomAD compares: Non-Finnish European, 0.041%; 1 homozygote.

Submission:

CeGaT Center for Human Genetics Tuebingen
Classification: Likely benign. Last evaluated: 2022-10-01. Review status: criteria provided, single submitter. Criteria: CeGaT Center For Human Genetics Tuebingen Variant Classification Criteria Version 2. Collection method: clinical testing. Allele origin: germline. Affected: yes. Observed: 1 variant allele.
Comment: MTCL1: BP4, BP7